The following is an entry in ClinVar:

ClinVar aggregate classification (germline): Pathogenic (1 of 4 stars; one submission).

Conditions:
Aortic valve disease 2 (AOVD2). Identifiers: MedGen C3542024, MONDO:0013902, OMIM 614823.

Submission:

Labcorp Genetics (formerly Invitae), Labcorp
Classification: Pathogenic for Aortic valve disease 2. Last evaluated: 2022-11-15. Review status: criteria provided, single submitter. Criteria: Invitae Variant Classification Sherloc (09022015). Collection method: clinical testing. Allele origin: germline.
Comment: For these reasons, this variant has been classified as Pathogenic. Algorithms developed to predict the effect of sequence changes on RNA splicing suggest that this variant may disrupt the consensus splice site. ClinVar contains an entry for this variant (Variation ID: 1470937). Disruption of this splice site has been observed in individuals with clinical features of Holt-Oram syndrome (Invitae). This variant is not present in population databases (gnomAD no frequency). This sequence change affects a donor splice site in intron 7 of the TBX5 gene. It is expected to disrupt RNA splicing. Variants that disrupt the donor or acceptor splice site typically lead to a loss of protein function (PMID: 16199547), and loss-of-function variants in TBX5 are known to be pathogenic (PMID: 16183809, 16917909).

Literature cited by the submitters: PubMed 16199547; PubMed 16183809; PubMed 16917909.

NM_181486.4(TBX5):c.755+1G>T

Gene: TBX5 (T-box transcription factor 5; minus strand). Cytogenetic location: 12q24.21.
Variant type: single nucleotide variant.
Coding change: c.755+1G>T on transcript NM_181486.4 (MANE Select); the canonical splice donor site of the intron after coding-DNA position 755, G replaced by T.
Molecular consequence: splice donor variant.
Genome position (GRCh38, 1-based): chr12:114,385,475, C>A on the plus strand (G>T on the coding strand, the complement: TBX5 is on the minus strand). VCF-style: chr12-114385475-C-A. GRCh37 (hg19) VCF-style: chr12-114823280-C-A.
Other names: c.605+1G>T (NM_080717.4); c.755+1G>T (NM_000192.3).
Identifiers: ClinVar variation 1470937 (VCV001470937.6), dbSNP rs2136397746, ClinGen allele CA386859483.
Genomic context (GRCh38, chr12:114,385,475, plus strand): 5'-CTTACCTGGGTAATTTGAGGGGTATGTGGGGAGGAGAAAGTTGAGGAATCCACTTTCCTA[C>A]CTTTGCATTCTTGACATTCTGTGCAGCTCCATGTCATCACTGCCCCGAAATCCTTTGGCA-3'